The following is an entry in ClinVar:

NM_001142800.2(EYS):c.5033T>A (p.Leu1678Ter)

Gene: EYS (EGF-like photoreceptor maintenance factor; minus strand). Cytogenetic location: 6q12.
Variant type: single nucleotide variant.
Coding change: c.5033T>A on transcript NM_001142800.2 (MANE Select); coding-DNA position 5033, T replaced by A.
Protein change: p.Leu1678Ter; replaces leucine 1678 with a stop codon.
Molecular consequence: nonsense.
Genome position (GRCh38, 1-based): chr6:64,590,834, A>T on the plus strand (T>A on the coding strand, the complement: EYS is on the minus strand). VCF-style: chr6-64590834-A-T. GRCh37 (hg19) VCF-style: chr6-65300727-A-T.
Other names: c.5033T>A, p.Leu1678Ter (NM_001292009.2); short protein forms L1678*.
Identifiers: ClinVar variation 2977258 (VCV002977258.4), dbSNP rs1766382484, ClinGen allele CA364782004.

ClinVar aggregate classification (germline): Pathogenic/Likely pathogenic. Review status: criteria provided, multiple submitters, no conflicts (2 of 4 stars). 2 submissions from 2 submitters: Pathogenic (1); Likely pathogenic (1). Last evaluated 2024-02-14.

Conditions:
EYS-related disorder. Also called: EYS-related condition.

Allele frequency attached by ClinVar (database versions not stated): gnomAD 0.00001.
gnomAD v4.1: 2 of 1,550,200 alleles (0.00013%); highest among the groups gnomAD compares: African/African-American, 0.0027%; no homozygotes.

Submissions (2):

Labcorp Genetics (formerly Invitae), Labcorp
Classification: Pathogenic. Last evaluated: 2024-02-14. Review status: criteria provided, single submitter. Criteria: Invitae Variant Classification Sherloc (09022015). Collection method: clinical testing. Allele origin: germline.
Comment: This sequence change creates a premature translational stop signal (p.Leu1678*) in the EYS gene. It is expected to result in an absent or disrupted protein product. Loss-of-function variants in EYS are known to be pathogenic (PMID: 18836446, 20333770). This variant is not present in population databases (gnomAD no frequency). This variant has not been reported in the literature in individuals affected with EYS-related conditions. For these reasons, this variant has been classified as Pathogenic.

Blueprint Genetics
Classification: Likely pathogenic for EYS-related disorders. Last evaluated: 2019-11-29. Review status: criteria provided, single submitter. Criteria: ACMG Guidelines, 2015. Collection method: clinical testing. Allele origin: germline. Affected: yes. Observed: 1 variant allele.

Literature cited by the submitters: PubMed 18836446 (cited by Labcorp Genetics (formerly Invitae), Labcorp); PubMed 20333770 (cited by Labcorp Genetics (formerly Invitae), Labcorp).